The following is an entry in ClinVar:

NM_001085411.3(NADK2):c.449G>A (p.Arg150Gln)

Gene: NADK2 (NAD kinase 2, mitochondrial; minus strand). Cytogenetic location: 5p13.2.
Variant type: single nucleotide variant.
Coding change: c.449G>A on transcript NM_001085411.3 (MANE Select); coding-DNA position 449, G replaced by A.
Protein change: p.Arg150Gln; replaces arginine 150 with glutamine.
Molecular consequence: missense variant. On other transcripts: 5 prime UTR variant (3).
Genome position (GRCh38, 1-based): chr5:36,226,504, C>T on the plus strand (G>A on the coding strand, the complement: NADK2 is on the minus strand). VCF-style: chr5-36226504-C-T. GRCh37 (hg19) VCF-style: chr5-36226606-C-T.
Other names: c.449G>A (NM_001085411.1); c.-41G>A (NM_001287340.2, NM_001287341.2, NM_153013.5); short protein forms R150Q.
Identifiers: ClinVar variation 444651 (VCV000444651.51), dbSNP rs142251085, ClinGen allele CA3234734.

ClinVar aggregate classification (germline): Uncertain significance. Review status: criteria provided, multiple submitters, no conflicts (2 of 4 stars). 3 submissions from 3 submitters: Uncertain significance (3). Last evaluated 2025-06-12.

Conditions:
Inborn genetic diseases. Identifiers: MedGen C0950123, MeSH D030342.
Progressive encephalopathy with leukodystrophy due to DECR deficiency. Identifiers: Orphanet 431361, MedGen C1857252, MONDO:0014464, OMIM 616034.

Allele frequency attached by ClinVar (database versions not stated): gnomAD exomes 0.00008 and 0.00012; gnomAD 0.00009; TOPMed 0.00009; ExAC 0.00010; 1000 Genomes Project 30x 0.00016; 1000 Genomes Project 0.00020.
gnomAD v4.1: 129 of 1,612,998 alleles (0.008%); highest among the groups gnomAD compares: East Asian, 0.011%; no homozygotes.

Submissions (3):

Ambry Genetics
Classification: Uncertain significance for Inborn genetic diseases. Last evaluated: 2025-06-12. Review status: criteria provided, single submitter. Criteria: Ambry Variant Classification Scheme 2023. Collection method: clinical testing. Allele origin: germline.

Labcorp Genetics (formerly Invitae), Labcorp
Classification: Uncertain significance for Progressive encephalopathy with leukodystrophy due to DECR deficiency. Last evaluated: 2024-10-21. Review status: criteria provided, single submitter. Criteria: Invitae Variant Classification Sherloc (09022015). Collection method: clinical testing. Allele origin: germline.
Comment: This sequence change replaces arginine, which is basic and polar, with glutamine, which is neutral and polar, at codon 150 of the NADK2 protein (p.Arg150Gln). This variant is present in population databases (rs142251085, gnomAD 0.02%). This variant has not been reported in the literature in individuals affected with NADK2-related conditions. ClinVar contains an entry for this variant (Variation ID: 444651). Invitae Evidence Modeling of protein sequence and biophysical properties (such as structural, functional, and spatial information, amino acid conservation, physicochemical variation, residue mobility, and thermodynamic stability) indicates that this missense variant is not expected to disrupt NADK2 protein function with a negative predictive value of 80%. In summary, the available evidence is currently insufficient to determine the role of this variant in disease. Therefore, it has been classified as a Variant of Uncertain Significance.

CeGaT Center for Human Genetics Tuebingen
Classification: Uncertain significance. Last evaluated: 2017-05-01. Review status: criteria provided, single submitter. Criteria: CeGaT Center For Human Genetics Tuebingen Variant Classification Criteria Version 2. Collection method: clinical testing. Allele origin: germline. Affected: yes. Observed: 1 variant allele.